The following is an entry in ClinVar:

ClinVar aggregate classification (germline): Uncertain significance (1 of 4 stars; one submission).

Conditions:
Hereditary cancer-predisposing syndrome. Also called: Neoplastic Syndromes, Hereditary; Tumor predisposition; Hereditary Cancer Syndrome; Hereditary neoplastic syndrome. Identifiers: Orphanet 140162, MedGen C0027672, MeSH D009386, MONDO:0015356.

Submission:

Ambry Genetics
Classification: Uncertain significance for Hereditary cancer-predisposing syndrome. Last evaluated: 2025-12-17. Review status: criteria provided, single submitter. Criteria: Ambry Variant Classification Scheme 2023. Collection method: clinical testing. Allele origin: germline.
Comment: The p.Q345R variant (also known as c.1034A>G), located in coding exon 6 of the CTNNA1 gene, results from an A to G substitution at nucleotide position 1034. The glutamine at codon 345 is replaced by arginine, an amino acid with highly similar properties. This amino acid position is conserved. In addition, this alteration is predicted to be deleterious by in silico analysis. Based on the available evidence, the clinical significance of this variant remains unclear.

NM_001903.5(CTNNA1):c.1034A>G (p.Gln345Arg)

Gene: CTNNA1 (catenin alpha 1; plus strand). Cytogenetic location: 5q31.2.
Variant type: single nucleotide variant.
Coding change: c.1034A>G on transcript NM_001903.5 (MANE Select); coding-DNA position 1034, A replaced by G.
Protein change: p.Gln345Arg; replaces glutamine 345 with arginine.
Molecular consequence: missense variant.
Genome position (GRCh38, 1-based): chr5:138,827,690, A>G. VCF-style: chr5-138827690-A-G. GRCh37 (hg19) VCF-style: chr5-138163379-A-G.
Other names: c.1034A>G, p.Gln345Arg (NM_001290307.3, NM_001323982.2, NM_001323983.1 and 3 more transcripts); c.725A>G, p.Gln242Arg (NM_001290309.3); c.665A>G, p.Gln222Arg (NM_001290310.3); short protein forms Q222R, Q345R, Q242R.
Identifiers: ClinVar variation 4841645 (VCV004841645.1).